The following is an entry in ClinVar:

NM_002693.3(POLG):c.2414A>G (p.His805Arg)

Gene: POLG (DNA polymerase gamma, catalytic subunit; minus strand). Cytogenetic location: 15q26.1.
Variant type: single nucleotide variant.
Coding change: c.2414A>G on transcript NM_002693.3 (MANE Select); coding-DNA position 2414, A replaced by G.
Protein change: p.His805Arg; replaces histidine 805 with arginine.
Molecular consequence: missense variant.
Genome position (GRCh38, 1-based): chr15:89,322,754, T>C on the plus strand (A>G on the coding strand, the complement: POLG is on the minus strand). VCF-style: chr15-89322754-T-C. GRCh37 (hg19) VCF-style: chr15-89865985-T-C.
Other names: c.2414A>G, p.His805Arg (NM_001126131.2); short protein forms H805R.
Identifiers: ClinVar variation 4776407 (VCV004776407.1).

ClinVar aggregate classification (germline): Uncertain significance (1 of 4 stars; one submission).

Conditions:
Progressive sclerosing poliodystrophy (MTDPS4A). Also called: Mitochondrial DNA depletion syndrome 4A (Alpers type); ALPERS DIFFUSE DEGENERATION OF CEREBRAL GRAY MATTER WITH HEPATIC CIRRHOSIS; Alpers-Huttenlocher Syndrome; Mitochondrial DNA Depletion Syndrome 4A; Alpers-Huttenlocher Syndrome (AHS); ALPERS PROGRESSIVE INFANTILE POLIODYSTROPHY. Identifiers: Orphanet 726, MedGen C0205710, MONDO:0008758, OMIM 203700.

Submission:

Labcorp Genetics (formerly Invitae), Labcorp
Classification: Uncertain significance for Progressive sclerosing poliodystrophy. Last evaluated: 2025-07-03. Review status: criteria provided, single submitter. Criteria: Invitae Variant Classification Sherloc (09022015). Collection method: clinical testing. Allele origin: germline.
Comment: This sequence change replaces histidine, which is basic and polar, with arginine, which is basic and polar, at codon 805 of the POLG protein (p.His805Arg). This variant is not present in population databases (gnomAD no frequency). This variant has not been reported in the literature in individuals affected with POLG-related conditions. Invitae Evidence Modeling of protein sequence and biophysical properties (such as structural, functional, and spatial information, amino acid conservation, physicochemical variation, residue mobility, and thermodynamic stability) indicates that this missense variant is not expected to disrupt POLG protein function with a negative predictive value of 95%. In summary, the available evidence is currently insufficient to determine the role of this variant in disease. Therefore, it has been classified as a Variant of Uncertain Significance.